The following is an entry in ClinVar:

NM_004360.5(CDH1):c.1008+4del

Gene: CDH1 (cadherin 1; plus strand). Cytogenetic location: 16q22.1.
Variant type: Deletion.
Coding change: c.1008+4del on transcript NM_004360.5 (MANE Select); 4 bases into the intron after coding-DNA position 1008, one base deleted (A; older notation c.1008+4delA).
Molecular consequence: intron variant.
Genome position (GRCh38, 1-based): chr16:68,811,863, A deleted. VCF-style (leftmost placement, unchanged base first): chr16-68811862-CA-C. GRCh37 (hg19) VCF-style: chr16-68845765-CA-C.
Other names: c.1008+4del (LRG_301t1, NM_001317184.2, NM_004360.3); c.-608+4del (NM_001317185.2); c.-812+4del (NM_001317186.2); c.1008+4delA (NM_004360.4).
Identifiers: ClinVar variation 279745 (VCV000279745.25), dbSNP rs746392709, ClinGen allele CA8129960.

ClinVar aggregate classification (germline): Conflicting classifications of pathogenicity. Review status: criteria provided, conflicting classifications (1 of 4 stars). 8 submissions from 8 submitters: Uncertain significance (5); Benign (1); Likely benign (2). Last evaluated 2026-01-11.

Conditions:
Familial cancer of breast. Also called: BREAST CANCER, FAMILIAL; hereditary breast carcinoma; Hereditary breast cancer. Identifiers: Orphanet 227535, MedGen C0346153, MONDO:0016419, OMIM 114480. Disease mechanism: loss of function.
Ovarian cancer. Also called: OVARIAN CANCER, SOMATIC. Identifiers: Orphanet 213500, MedGen C1140680, MONDO:0008170, OMIM 167000.
Hereditary cancer-predisposing syndrome. Also called: Tumor predisposition; Hereditary Cancer Syndrome; Hereditary neoplastic syndrome; Neoplastic Syndromes, Hereditary. Identifiers: Orphanet 140162, MedGen C0027672, MeSH D009386, MONDO:0015356.
Hereditary diffuse gastric adenocarcinoma (HDGC). Also called: DIFFUSE GASTRIC AND LOBULAR BREAST CANCER SYNDROME. Identifiers: Orphanet 26106, MedGen C1708349, MONDO:0007648, OMIM 137215.

Allele frequency attached by ClinVar (database versions not stated): gnomAD exomes below 0.00001 and 0.00001; ExAC 0.00001; gnomAD 0.00001; TOPMed 0.00001.

Submissions (8):

Labcorp Genetics (formerly Invitae), Labcorp
Classification: Likely benign for Hereditary diffuse gastric adenocarcinoma. Last evaluated: 2026-01-11. Review status: criteria provided, single submitter. Criteria: Invitae Variant Classification Sherloc (09022015). Collection method: clinical testing. Allele origin: germline.

Color Diagnostics, LLC DBA Color Health
Classification: Uncertain significance for Hereditary cancer-predisposing syndrome. Last evaluated: 2025-04-08. Review status: criteria provided, single submitter. Criteria: ACMG Guidelines, 2015. Collection method: clinical testing. Allele origin: germline.
Comment: This variant causes a single nucleotide deletion in the splice donor region of intron 7 of the CDH1 gene. Splicing prediction tools have contradictory findings for this variant, predicting no impact (PMID: 30661751) to a weak impact (PMID: 35449021). To our knowledge, functional and RNA studies have not been reported for this variant. This variant has not been reported in individuals affected with hereditary cancer in the literature. This variant has been identified in 2/251192 chromosomes in the general population by the Genome Aggregation Database (gnomAD). The available evidence is insufficient to determine the role of this variant in disease conclusively. Therefore, this variant is classified as a Variant of Uncertain Significance.

Ambry Genetics
Classification: Likely benign for Hereditary cancer-predisposing syndrome. Last evaluated: 2022-07-08. Review status: criteria provided, single submitter. Criteria: Ambry Variant Classification Scheme 2023. Collection method: clinical testing. Allele origin: germline.

Department of Pathology and Laboratory Medicine, Sinai Health System
Classification: Uncertain significance for Familial cancer of breast; Ovarian cancer. Last evaluated: 2022-06-06. Review status: criteria provided, single submitter. Criteria: ACMG Guidelines, 2015. Collection method: clinical testing. Allele origin: germline. Affected: yes.

Blueprint Genetics
Classification: Uncertain significance. Last evaluated: 2019-10-28. Review status: criteria provided, single submitter. Criteria: ACMG Guidelines, 2015. Collection method: clinical testing. Allele origin: germline.

Quest Diagnostics Nichols Institute San Juan Capistrano
Classification: Uncertain significance. Last evaluated: 2018-07-09. Review status: criteria provided, single submitter. Criteria: Quest Diagnostics criteria. Collection method: clinical testing. Allele origin: germline.

GeneDx
Classification: Uncertain significance. Last evaluated: 2015-04-07. Review status: criteria provided, single submitter. Criteria: GeneDx Variant Classification (06012015). Collection method: clinical testing. Allele origin: germline. Affected: yes.
Comment: This variant is denoted CDH1 IVS7+4delA or c.1008+4delA and consists of a deletion of one nucleotide at the +4 position in intron 7 of the CDH1 gene. The normal sequence with the base that is deleted in brackets is Ggtc[a]ggggt. Multiple splicing models predict that this variant may destroy the natural splice donor site for intron 7 and lead to abnormal splicing. However, in the absence of RNA or functional studies, the actual effect of this variant is unknown. CDH1 c.1008+4delA was not observed in approximately 6,500 individuals of European and African American ancestry in the NHLBI Exome Sequencing Project, indicating it is not a common benign variant in these populations. This variant has not, to our knowledge, been published in the literature as pathogenic or benign. The nucleotide that is deleted is moderately conserved across species. Based on the currently available information, we consider CDH1 c.1008+4delA to be a variant of uncertain significance.

Dipartimento Di Medicina Di Precisione, Università Degli Studi Della Campania Luigi Vanvitelli
Classification: Benign for Hereditary cancer-predisposing syndrome. Review status: criteria provided, single submitter. Criteria: ACMG Guidelines, 2015. Collection method: clinical testing. Allele origin: germline. Inheritance: Autosomal dominant inheritance. Affected: yes. Observed: 1 heterozygote.
Comment: The c.1008+4del variant is located at position +4 of intron 7, outside the canonical splice site. In silico prediction tools (SpliceAI, MaxEntScan) show no significant impact on splicing. The variant was observed in individuals undergoing hereditary cancer testin. Based on computational data and lack of clinical association, this variant is classified as benign (ACMG criteria).

Literature cited by the submitters: PubMed 30661751 (cited by Color Diagnostics, LLC DBA Color Health); PubMed 35449021 (cited by Color Diagnostics, LLC DBA Color Health); DOI 10.3390/ijms26135928 (cited by Dipartimento Di Medicina Di Precisione, Università Degli Studi Della Campania Luigi Vanvitelli).